The following is an entry in ClinVar:

NM_001278512.2(AP3B2):c.1015G>C (p.Val339Leu)

Genes: AP3B2 (adaptor related protein complex 3 subunit beta 2; minus strand), CPEB1-AS1 (CPEB1 antisense RNA 1; plus strand). Cytogenetic location: 15q25.2.
Variant type: single nucleotide variant.
Coding change: c.1015G>C on transcript NM_001278512.2 (MANE Select); coding-DNA position 1015, G replaced by C.
Protein change: p.Val339Leu; replaces valine 339 with leucine.
Molecular consequence: missense variant.
Genome position (GRCh38, 1-based): chr15:82,680,512, C>G on the plus strand (G>C on the coding strand, the complement: AP3B2 is on the minus strand). VCF-style: chr15-82680512-C-G. GRCh37 (hg19) VCF-style: chr15-83349264-C-G.
Other names: c.919G>C, p.Val307Leu (NM_001278511.2); c.1015G>C, p.Val339Leu (NM_004644.5); short protein forms V339L, V307L.
Identifiers: ClinVar variation 2116862 (VCV002116862.4), dbSNP rs1367868541, ClinGen allele CA393318606.

ClinVar aggregate classification (germline): Uncertain significance (1 of 4 stars; one submission).

gnomAD v4.1: 1 of 1,532,428 alleles (0.000065%); highest among the groups gnomAD compares: Admixed American, 0.002%; no homozygotes.

Submission:

Labcorp Genetics (formerly Invitae), Labcorp
Classification: Uncertain significance. Last evaluated: 2022-03-25. Review status: criteria provided, single submitter. Criteria: Invitae Variant Classification Sherloc (09022015). Collection method: clinical testing. Allele origin: germline.
Comment: In summary, the available evidence is currently insufficient to determine the role of this variant in disease. Therefore, it has been classified as a Variant of Uncertain Significance. Algorithms developed to predict the effect of missense changes on protein structure and function (SIFT, PolyPhen-2, Align-GVGD) all suggest that this variant is likely to be tolerated. This variant has not been reported in the literature in individuals affected with AP3B2-related conditions. This variant is present in population databases (no rsID available, gnomAD 0.004%). This sequence change replaces valine, which is neutral and non-polar, with leucine, which is neutral and non-polar, at codon 339 of the AP3B2 protein (p.Val339Leu).